The following is an entry in ClinVar:

NM_000038.6(APC):c.1284A>G (p.Glu428=)

Gene: APC (APC regulator of Wnt signaling pathway; plus strand). Cytogenetic location: 5q22.2.
Variant type: single nucleotide variant.
Coding change: c.1284A>G on transcript NM_000038.6 (MANE Select); coding-DNA position 1284, A replaced by G.
Protein change: p.Glu428=; no amino-acid change (glutamic acid 428 retained).
Molecular consequence: synonymous variant.
Genome position (GRCh38, 1-based): chr5:112,819,316, A>G. VCF-style: chr5-112819316-A-G. GRCh37 (hg19) VCF-style: chr5-112155013-A-G.
Other names: c.1284A>G, p.Glu428= (NM_001127510.3, NM_001354895.2, NM_001354896.2); c.1230A>G, p.Glu410= (NM_001127511.3); c.1314A>G, p.Glu438= (NM_001354897.2); c.1209A>G, p.Glu403= (NM_001354898.2); c.1200A>G, p.Glu400= (NM_001354899.2); c.1107A>G, p.Glu369= (NM_001354900.2, NM_001354901.2); c.1011A>G, p.Glu337= (NM_001354902.2); c.981A>G, p.Glu327= (NM_001354903.2); and 3 more.
Identifiers: ClinVar variation 926717 (VCV000926717.15), dbSNP rs1762869036, ClinGen allele CA445960391.

ClinVar aggregate classification (germline): Benign/Likely benign. Review status: criteria provided, multiple submitters, no conflicts (2 of 4 stars). 5 submissions from 5 submitters: Benign (1); Likely benign (4). Last evaluated 2025-01-08.

Conditions:
Familial adenomatous polyposis 1 (FAP1). Also called: FAMILIAL ADENOMATOUS POLYPOSIS 1, ATTENUATED; POLYPOSIS, ADENOMATOUS INTESTINAL. Identifiers: MedGen C2713442, MONDO:0021056, OMIM 175100. Disease mechanism: loss of function.
Hereditary cancer-predisposing syndrome. Also called: Neoplastic Syndromes, Hereditary; Tumor predisposition; Hereditary Cancer Syndrome; Hereditary neoplastic syndrome. Identifiers: Orphanet 140162, MedGen C0027672, MeSH D009386, MONDO:0015356.

Submissions (5):

Labcorp Genetics (formerly Invitae), Labcorp
Classification: Likely benign for Familial adenomatous polyposis 1. Last evaluated: 2025-01-08. Review status: criteria provided, single submitter. Criteria: Invitae Variant Classification Sherloc (09022015). Collection method: clinical testing. Allele origin: germline.

Myriad Genetics, Inc.
Classification: Benign for Familial adenomatous polyposis 1. Last evaluated: 2024-03-01. Review status: criteria provided, single submitter. Criteria: Myriad Autosomal Dominant, Autosomal Recessive and X-Linked Classification Criteria (2023). Collection method: clinical testing. Allele origin: unknown.
Comment: This variant is considered benign. This variant is a silent/synonymous amino acid change and it is not expected to impact splicing.

Ambry Genetics
Classification: Likely benign for Hereditary cancer-predisposing syndrome. Last evaluated: 2020-11-03. Review status: criteria provided, single submitter. Criteria: Ambry Variant Classification Scheme 2023. Collection method: clinical testing. Allele origin: germline.

Color Diagnostics, LLC DBA Color Health
Classification: Likely benign for Hereditary cancer-predisposing syndrome. Last evaluated: 2018-12-14. Review status: criteria provided, single submitter. Criteria: ACMG Guidelines, 2015. Collection method: clinical testing. Allele origin: germline.

Breakthrough Genomics
Classification: Likely benign. Review status: criteria provided, single submitter. Criteria: ACMG Guidelines, 2015. Collection method: not provided. Allele origin: germline. Inheritance: Autosomal dominant inheritance. Affected: yes.